The following is an entry in ClinVar:

NM_015541.3(LRIG1):c.1812G>A (p.Thr604=)

Gene: LRIG1 (leucine rich repeats and immunoglobulin like domains 1; minus strand). Cytogenetic location: 3p14.1.
Variant type: single nucleotide variant.
Coding change: c.1812G>A on transcript NM_015541.3 (MANE Select); coding-DNA position 1812, G replaced by A.
Protein change: p.Thr604=; no amino-acid change (threonine 604 retained).
Molecular consequence: synonymous variant.
Genome position (GRCh38, 1-based): chr3:66,384,250, C>T on the plus strand (G>A on the coding strand, the complement: LRIG1 is on the minus strand). VCF-style: chr3-66384250-C-T. GRCh37 (hg19) VCF-style: chr3-66434674-C-T.
Other names: c.1737G>A, p.Thr579= (NM_001377344.1); c.1032G>A, p.Thr344= (NM_001377345.1, NM_001377346.1); c.810G>A, p.Thr270= (NM_001377347.1); c.783G>A, p.Thr261= (NM_001377348.1); c.528G>A, p.Thr176= (NM_001377349.1).
Identifiers: ClinVar variation 3050510 (VCV003050510.22), dbSNP rs140903952, ClinGen allele CA2484594.

ClinVar aggregate classification (germline): Likely benign. Review status: criteria provided, single submitter (1 of 4 stars). 2 submissions from 2 submitters: Likely benign (1). 1 of the submissions does not count toward it. Last evaluated 2024-03-01.

Conditions:
LRIG1-related disorder. Also called: LRIG1-related condition.

Allele frequency attached by ClinVar (database versions not stated): 1000 Genomes Project 0.00140; 1000 Genomes Project 30x 0.00141; gnomAD exomes 0.00142; gnomAD 0.00160; ExAC 0.00184; TOPMed 0.00184; ESP Exome Variant Server 0.00185.
gnomAD v4.1: 2,408 of 1,611,654 alleles (0.15%); highest among the groups gnomAD compares: Middle Eastern, 0.45%; 5 homozygotes.

Submissions (2):

CeGaT Center for Human Genetics Tuebingen
Classification: Likely benign. Last evaluated: 2024-03-01. Review status: criteria provided, single submitter. Criteria: CeGaT Center For Human Genetics Tuebingen Variant Classification Criteria Version 2. Collection method: clinical testing. Allele origin: germline. Affected: yes. Observed: 1 variant allele.
Comment: LRIG1: BP4, BP7

PreventionGenetics, part of Exact Sciences
Classification: Likely benign for LRIG1-related condition. Last evaluated: 2019-02-19. Review status: no assertion criteria provided. Collection method: clinical testing. Allele origin: germline. Not counted in ClinVar's aggregate classification.
Comment: This variant is classified as likely benign based on ACMG/AMP sequence variant interpretation guidelines (Richards et al. 2015 PMID: 25741868, with internal and published modifications).